The following is an entry in ClinVar:

ClinVar aggregate classification (germline): Uncertain significance. Review status: criteria provided, multiple submitters, no conflicts (2 of 4 stars). 2 submissions from 2 submitters: Uncertain significance (2). Last evaluated 2025-12-21.

Conditions:
Hypertrophic cardiomyopathy. Also called: HYPERTROPHIC MYOCARDIOPATHY. Identifiers: Orphanet 217569, MedGen C0007194, MeSH D002312, MONDO:0005045, HP:0001639.

Submissions (2):

Labcorp Genetics (formerly Invitae), Labcorp
Classification: Uncertain significance for Hypertrophic cardiomyopathy. Last evaluated: 2025-12-21. Review status: criteria provided, single submitter. Criteria: Invitae Variant Classification Sherloc (09022015). Collection method: clinical testing. Allele origin: germline.
Comment: This variant, c.392_394del, results in the deletion of 1 amino acid(s) of the TNNI3 protein (p.Lys131del), but otherwise preserves the integrity of the reading frame. This variant is not present in population databases (gnomAD no frequency). This variant has been observed in individual(s) with hypertrophic or dilated cardiomyopathy (PMID: 24111713; internal data). ClinVar contains an entry for this variant (Variation ID: 636901). Experimental studies and prediction algorithms are not available or were not evaluated, and the functional significance of this variant is currently unknown. In summary, the available evidence is currently insufficient to determine the role of this variant in disease. Therefore, it has been classified as a Variant of Uncertain Significance.

Blueprint Genetics
Classification: Uncertain significance. Last evaluated: 2018-12-19. Review status: criteria provided, single submitter. Criteria: ACMG Guidelines, 2015. Collection method: clinical testing. Allele origin: germline.

Literature cited by the submitters: PubMed 24111713 (cited by Labcorp Genetics (formerly Invitae), Labcorp).

NM_000363.5(TNNI3):c.389AGA[1] (p.Lys131del)

Gene: TNNI3 (troponin I3, cardiac type; minus strand). Cytogenetic location: 19q13.42.
Variant type: Microsatellite.
Coding change: c.389AGA[1] on transcript NM_000363.5 (MANE Select); one copy of the 3-base unit AGA starting at c.389; the reference has two copies in a row; one copy, 3 bases deleted.
Protein change: p.Lys131del; deletes lysine 131.
Molecular consequence: inframe deletion.
Genome position (GRCh38, 1-based): chr19:55,154,185-55,154,187, TCT deleted on the plus strand (AGA on the coding strand, the reverse complement: TNNI3 is on the minus strand); deleting any 3 consecutive bases within chr19:55,154,185-55,154,190 gives the same sequence; the position shown is the placement nearest the transcript's 3' end. VCF-style (leftmost placement, unchanged base first): chr19-55154184-ATCT-A. GRCh37 (hg19) VCF-style: chr19-55665552-ATCT-A.
Other names: short protein forms K131del.
Identifiers: ClinVar variation 636901 (VCV000636901.8), dbSNP rs1315063739, ClinGen allele CA883722514.